The following is an entry in ClinVar:

NM_003072.5(SMARCA4):c.4227A>G (p.Ser1409=)

Gene: SMARCA4 (SWI/SNF related BAF chromatin remodeling complex subunit ATPase 4; plus strand). Cytogenetic location: 19p13.2.
Variant type: single nucleotide variant.
Coding change: c.4227A>G on transcript NM_003072.5 (MANE Select); coding-DNA position 4227, A replaced by G.
Protein change: p.Ser1409=; no amino-acid change (serine 1409 retained).
Molecular consequence: synonymous variant. On other transcripts: non-coding transcript variant (1).
Genome position (GRCh38, 1-based): chr19:11,041,363, A>G. VCF-style: chr19-11041363-A-G. GRCh37 (hg19) VCF-style: chr19-11152039-A-G.
Other names: c.4227A>G, p.Ser1409= (NM_001128844.3); c.4137A>G, p.Ser1379= (NM_001128845.2, NM_001128846.2); c.4128A>G, p.Ser1376= (NM_001128847.4, NM_001128848.2, NM_001374457.1); c.4323A>G, p.Ser1441= (NM_001128849.3, NM_001387283.1).
Identifiers: ClinVar variation 238462 (VCV000238462.46), dbSNP rs61761958, ClinGen allele CA9204677.

ClinVar aggregate classification (germline): Benign/Likely benign. Review status: criteria provided, multiple submitters, no conflicts (2 of 4 stars). 9 submissions from 9 submitters: Benign (4); Likely benign (4). 1 of the submissions does not count toward it. Last evaluated 2026-07-16.

Conditions:
SMARCA4-related disorder. Also called: SMARCA4-related condition.
Hereditary cancer-predisposing syndrome. Also called: Hereditary Cancer Syndrome; Tumor predisposition; Hereditary neoplastic syndrome; Neoplastic Syndromes, Hereditary. Identifiers: Orphanet 140162, MedGen C0027672, MeSH D009386, MONDO:0015356.
Intellectual disability, autosomal dominant 16 (CSS4). Also called: COFFIN-SIRIS SYNDROME 4. Identifiers: Orphanet 1465, MedGen C3553249, MONDO:0013821, OMIM 614609.
Rhabdoid tumor predisposition syndrome 2 (RTPS2). Identifiers: Orphanet 231108, Orphanet 69077, MedGen C2750074, MONDO:0013224, OMIM 613325.

Allele frequency attached by ClinVar (database versions not stated): ExAC 0.00058; TOPMed 0.00166; 1000 Genomes Project 30x 0.00172; gnomAD exomes 0.00016; 1000 Genomes Project 0.00160; gnomAD 0.00191; ESP Exome Variant Server 0.00192.
gnomAD v4.1: 484 of 1,612,760 alleles (0.03%); highest among the groups gnomAD compares: African/African-American, 0.54%; 5 homozygotes.

Submissions (9):

Myriad Genetics, Inc.
Classification: Benign for Rhabdoid tumor predisposition syndrome 2. Last evaluated: 2026-07-16. Review status: criteria provided, single submitter. Criteria: Myriad Autosomal Dominant, Autosomal Recessive and X-Linked Classification Criteria (2023). Collection method: clinical testing. Allele origin: unknown.
Comment: This variant is considered benign. This variant is a silent/synonymous amino acid change and it is not expected to impact splicing.

Labcorp Genetics (formerly Invitae), Labcorp
Classification: Benign for Rhabdoid tumor predisposition syndrome 2. Last evaluated: 2026-02-03. Review status: criteria provided, single submitter. Criteria: Invitae Variant Classification Sherloc (09022015). Collection method: clinical testing. Allele origin: germline.

CeGaT Center for Human Genetics Tuebingen
Classification: Likely benign. Last evaluated: 2025-04-01. Review status: criteria provided, single submitter. Criteria: CeGaT Center For Human Genetics Tuebingen Variant Classification Criteria Version 2. Collection method: clinical testing. Allele origin: germline. Affected: yes. Observed: 3 variant alleles.
Comment: SMARCA4: BP4, BP7

Blueprint Genetics
Classification: Likely benign. Last evaluated: 2024-10-03. Review status: criteria provided, single submitter. Criteria: ACMG Guidelines, 2015. Collection method: clinical testing. Allele origin: germline.

Genome-Nilou Lab
Classification: Benign for Intellectual disability, autosomal dominant 16. Last evaluated: 2021-07-15. Review status: criteria provided, single submitter. Criteria: ACMG Guidelines, 2015. Collection method: clinical testing. Allele origin: germline. Affected: no.

Sema4
Classification: Benign for Hereditary cancer-predisposing syndrome. Last evaluated: 2021-03-26. Review status: criteria provided, single submitter. Criteria: Sema4 Curation Guidelines. Collection method: curation. Allele origin: germline.

GeneDx
Classification: Likely benign. Last evaluated: 2017-06-15. Review status: criteria provided, single submitter. Criteria: GeneDx Variant Classification (06012015). Collection method: clinical testing. Allele origin: germline. Affected: yes.
Comment: This variant is considered likely benign or benign based on one or more of the following criteria: it is a conservative change, it occurs at a poorly conserved position in the protein, it is predicted to be benign by multiple in silico algorithms, and/or has population frequency not consistent with disease.

Ambry Genetics
Classification: Likely benign for Hereditary cancer-predisposing syndrome. Last evaluated: 2015-05-26. Review status: criteria provided, single submitter. Criteria: Ambry Variant Classification Scheme 2023. Collection method: clinical testing. Allele origin: germline.

PreventionGenetics, part of Exact Sciences
Classification: Benign for SMARCA4-related condition. Last evaluated: 2020-02-21. Review status: no assertion criteria provided. Collection method: clinical testing. Allele origin: germline. Not counted in ClinVar's aggregate classification.
Comment: This variant is classified as benign based on ACMG/AMP sequence variant interpretation guidelines (Richards et al. 2015 PMID: 25741868, with internal and published modifications).